The following is an entry in ClinVar:

NM_000548.5(TSC2):c.482-1G>A

Gene: TSC2 (TSC complex subunit 2; plus strand). Cytogenetic location: 16p13.3.
Variant type: single nucleotide variant.
Coding change: c.482-1G>A on transcript NM_000548.5 (MANE Select); the canonical splice acceptor site of the intron before coding-DNA position 482, G replaced by A.
Molecular consequence: splice acceptor variant. On other transcripts: intron variant (7).
Genome position (GRCh38, 1-based): chr16:2,055,401, G>A. VCF-style: chr16-2055401-G-A. GRCh37 (hg19) VCF-style: chr16-2105402-G-A.
Other names: c.-1166-1G>A (NM_001406693.1); c.572-1G>A (NM_001406667.1, NM_001406668.1); c.-335-1G>A (NM_001406680.1, NM_001406683.1, NM_001406687.1); c.-950-1G>A (NM_001406689.1, NM_001406690.1, NM_001406692.1 and 2 more transcripts); c.-1126-1G>A (NM_001406698.1); c.482-1G>A (NM_001114382.3, NM_001406663.1, NM_001406664.1 and 8 more transcripts); c.-831-1G>A (NM_001406694.1, NM_001406695.1); c.-938-1G>A (NM_001406696.1); and 6 more.
Identifiers: ClinVar variation 449786 (VCV000449786.3), dbSNP rs137854306, ClinGen allele CA394309013.

ClinVar aggregate classification (germline): Pathogenic (1 of 4 stars; one submission).

Submission:

GeneDx
Classification: Pathogenic. Last evaluated: 2024-02-07. Review status: criteria provided, single submitter. Criteria: GeneDx Variant Classification Process June 2021. Collection method: clinical testing. Allele origin: germline. Affected: yes.
Comment: Canonical splice site variant predicted to result in a null allele in a gene for which loss of function is a known mechanism of disease; Not observed at significant frequency in large population cohorts (gnomAD); Has not been previously published as pathogenic or benign to our knowledge